The following is an entry in ClinVar:

NM_002894.3(RBBP8):c.1967G>A (p.Ser656Asn)

Gene: RBBP8 (RB binding protein 8, endonuclease; plus strand). Cytogenetic location: 18q11.2.
Variant type: single nucleotide variant.
Coding change: c.1967G>A on transcript NM_002894.3 (MANE Select); coding-DNA position 1967, G replaced by A.
Protein change: p.Ser656Asn; replaces serine 656 with asparagine.
Molecular consequence: missense variant.
Genome position (GRCh38, 1-based): chr18:22,996,401, G>A. VCF-style: chr18-22996401-G-A. GRCh37 (hg19) VCF-style: chr18-20576364-G-A.
Other names: c.1967G>A, p.Ser656Asn (NM_203291.2, NM_203292.2); short protein forms S656N.
Identifiers: ClinVar variation 1522807 (VCV001522807.6), dbSNP rs533709575, ClinGen allele CA8910202.

ClinVar aggregate classification (germline): Uncertain significance (1 of 4 stars; one submission).

Allele frequency attached by ClinVar (database versions not stated): gnomAD 0.00001; gnomAD exomes 0.00001 and 0.00002; TOPMed 0.00002; ExAC 0.00003; 1000 Genomes Project 30x 0.00016; 1000 Genomes Project 0.00020.

Submission:

Labcorp Genetics (formerly Invitae), Labcorp
Classification: Uncertain significance. Last evaluated: 2025-10-06. Review status: criteria provided, single submitter. Criteria: Invitae Variant Classification Sherloc (09022015). Collection method: clinical testing. Allele origin: germline.
Comment: This sequence change replaces serine, which is neutral and polar, with asparagine, which is neutral and polar, at codon 656 of the RBBP8 protein (p.Ser656Asn). This variant is present in population databases (rs533709575, gnomAD 0.006%). This variant has not been reported in the literature in individuals affected with RBBP8-related conditions. ClinVar contains an entry for this variant (Variation ID: 1522807). Invitae Evidence Modeling of protein sequence and biophysical properties (such as structural, functional, and spatial information, amino acid conservation, physicochemical variation, residue mobility, and thermodynamic stability) has been performed for this missense variant. However, the output from this modeling did not meet the statistical confidence thresholds required to predict the impact of this variant on RBBP8 protein function. In summary, the available evidence is currently insufficient to determine the role of this variant in disease. Therefore, it has been classified as a Variant of Uncertain Significance.